The following is an entry in ClinVar:

NM_000204.5(CFI):c.1283del (p.Asn428fs)

Gene: CFI (complement factor I; minus strand). Cytogenetic location: 4q25.
Variant type: Deletion.
Coding change: c.1283del on transcript NM_000204.5 (MANE Select); coding-DNA position 1283, one base deleted (A; older notation c.1283delA).
Protein change: p.Asn428fs; shifts the reading frame from asparagine 428.
Molecular consequence: frameshift variant. On other transcripts: non-coding transcript variant (2).
Genome position (GRCh38, 1-based): chr4:109,746,368, T deleted on the plus strand (A on the coding strand, the reverse complement: CFI is on the minus strand); the first of 4 consecutive T bases (chr4:109,746,368-109,746,371); deleting any one gives the same sequence. VCF-style (leftmost placement, unchanged base first): chr4-109746367-AT-A. GRCh37 (hg19) VCF-style: chr4-110667523-AT-A.
Other names: c.1307del, p.Asn436fs (NM_001375278.1, NM_001318057.2); c.1283del, p.Asn428fs (NM_001375279.1, NM_001375281.1); c.1262del, p.Asn421fs (NM_001375280.1, NM_001375282.1, NM_001331035.2); c.1226del, p.Asn409fs (NM_001375283.1); c.674del, p.Asn225fs (NM_001375284.1); short protein forms N428fs, N436fs, N225fs, N409fs, N421fs.
Identifiers: ClinVar variation 2829643 (VCV002829643.3), dbSNP rs778466816, ClinGen allele CA3041954.

ClinVar aggregate classification (germline): Pathogenic (1 of 4 stars; one submission).

Submission:

Labcorp Genetics (formerly Invitae), Labcorp
Classification: Pathogenic. Last evaluated: 2023-05-24. Review status: criteria provided, single submitter. Criteria: Invitae Variant Classification Sherloc (09022015). Collection method: clinical testing. Allele origin: germline.
Comment: For these reasons, this variant has been classified as Pathogenic. This variant has not been reported in the literature in individuals affected with CFI-related conditions. The frequency data for this variant in the population databases is considered unreliable, as metrics indicate poor data quality at this position in the gnomAD database. This sequence change creates a premature translational stop signal (p.Asn428Metfs*5) in the CFI gene. It is expected to result in an absent or disrupted protein product. Loss-of-function variants in CFI are known to be pathogenic (PMID: 15917334, 16621965, 19065647, 20016463, 22710145).

Literature cited by the submitters: PubMed 15917334; PubMed 16621965; PubMed 19065647; PubMed 20016463; PubMed 22710145.